The following is an entry in ClinVar:

ClinVar aggregate classification (germline): no classifications from unflagged records (0 of 4 stars; one submission).

Conditions:
Onychodystrophy, osteodystrophy, impaired intellectual development, and seizures syndrome. Also called: OORS SYNDROME; GLYCOSYLPHOSPHATIDYLINOSITOL BIOSYNTHESIS DEFECT 24. Identifiers: MedGen C5543496, MONDO:0859161, OMIM 619356.

gnomAD v4.1: 1 of 1,606,224 alleles (0.000062%); highest among the groups gnomAD compares: East Asian, 0.0022%; no homozygotes.

Submission:

OMIM
Classification: Pathogenic for ONYCHODYSTROPHY, OSTEODYSTROPHY, IMPAIRED INTELLECTUAL DEVELOPMENT, AND SEIZURES SYNDROME. Last evaluated: 2021-06-07. Review status: flagged submission. Collection method: literature only. Allele origin: germline.
ClinVar note: Notes: Flagging candidate with reason of insufficient supporting evidence. This gene has been classified as having a limited gene-disease relationship by a ClinGen Expert Panel.
ClinVar note: Reason: P/LP classification for a variant in a gene with insufficient evidence for a gene-disease relationship

Literature cited by the submitters: PubMed 33386993.

NM_002643.4(PIGF):c.515C>G (p.Pro172Arg)

Gene: PIGF (phosphatidylinositol glycan anchor biosynthesis class F; minus strand). Cytogenetic location: 2p21.
Variant type: single nucleotide variant.
Coding change: c.515C>G on transcript NM_002643.4 (MANE Select); coding-DNA position 515, C replaced by G.
Protein change: p.Pro172Arg; replaces proline 172 with arginine.
Molecular consequence: missense variant.
Genome position (GRCh38, 1-based): chr2:46,592,506, G>C on the plus strand (C>G on the coding strand, the complement: PIGF is on the minus strand). VCF-style: chr2-46592506-G-C. GRCh37 (hg19) VCF-style: chr2-46819645-G-C.
Other names: c.515C>G, p.Pro172Arg (NM_173074.3); short protein forms P172R.
Identifiers: ClinVar variation 1162290 (VCV001162290.1), dbSNP rs2104079531, ClinGen allele CA346696363.